The following is an entry in ClinVar:

NM_001135629.3(PPP1R21):c.448G>C (p.Glu150Gln)

Gene: PPP1R21 (protein phosphatase 1 regulatory subunit 21; plus strand). Cytogenetic location: 2p16.3.
Variant type: single nucleotide variant.
Coding change: c.448G>C on transcript NM_001135629.3 (MANE Select); coding-DNA position 448, G replaced by C.
Protein change: p.Glu150Gln; replaces glutamic acid 150 with glutamine.
Molecular consequence: missense variant. On other transcripts: non-coding transcript variant (1).
Genome position (GRCh38, 1-based): chr2:48,459,826, G>C. VCF-style: chr2-48459826-G-C. GRCh37 (hg19) VCF-style: chr2-48686965-G-C.
Other names: c.448G>C, p.Glu150Gln (NM_001193475.2, NM_152994.5); short protein forms E150Q.
Identifiers: ClinVar variation 3250693 (VCV003250693.18), dbSNP rs1667896774.

ClinVar aggregate classification (germline): Uncertain significance (1 of 4 stars; one submission).

Allele frequency attached by ClinVar (database versions not stated): gnomAD exomes below 0.00001.
gnomAD v4.1: 1 of 1,614,202 alleles (0.000062%); highest among the groups gnomAD compares: Non-Finnish European, 0.000085%; no homozygotes.

Submission:

CeGaT Center for Human Genetics Tuebingen
Classification: Uncertain significance. Last evaluated: 2024-06-01. Review status: criteria provided, single submitter. Criteria: CeGaT Center For Human Genetics Tuebingen Variant Classification Criteria Version 2. Collection method: clinical testing. Allele origin: germline. Affected: yes. Observed: 1 variant allele.
Comment: PPP1R21: PM2, BP4